The following is an entry in ClinVar:

ClinVar aggregate classification (germline): Uncertain significance (1 of 4 stars; one submission).

Conditions:
PHGDH deficiency. Identifiers: Orphanet 79351, MedGen C1866174, MONDO:0011152, OMIM 601815.

Allele frequency attached by ClinVar (database versions not stated): gnomAD exomes below 0.00001 and 0.00001; TOPMed below 0.00001; gnomAD 0.00001; ExAC 0.00002.
gnomAD v4.1: 6 of 1,613,450 alleles (0.00037%); highest among the groups gnomAD compares: South Asian, 0.0011%; no homozygotes.

Submission:

Labcorp Genetics (formerly Invitae), Labcorp
Classification: Uncertain significance for PHGDH deficiency. Last evaluated: 2022-02-03. Review status: criteria provided, single submitter. Criteria: Invitae Variant Classification Sherloc (09022015). Collection method: clinical testing. Allele origin: germline.
Comment: This sequence change replaces leucine, which is neutral and non-polar, with phenylalanine, which is neutral and non-polar, at codon 484 of the PHGDH protein (p.Leu484Phe). This variant is present in population databases (rs200693896, gnomAD 0.007%). This variant has not been reported in the literature in individuals affected with PHGDH-related conditions. Algorithms developed to predict the effect of missense changes on protein structure and function are either unavailable or do not agree on the potential impact of this missense change (SIFT: "Deleterious"; PolyPhen-2: "Probably Damaging"; Align-GVGD: "Class C0"). In summary, the available evidence is currently insufficient to determine the role of this variant in disease. Therefore, it has been classified as a Variant of Uncertain Significance.

NM_006623.4(PHGDH):c.1450C>T (p.Leu484Phe)

Gene: PHGDH (phosphoglycerate dehydrogenase; plus strand). Cytogenetic location: 1p12.
Variant type: single nucleotide variant.
Coding change: c.1450C>T on transcript NM_006623.4 (MANE Select); coding-DNA position 1450, C replaced by T.
Protein change: p.Leu484Phe; replaces leucine 484 with phenylalanine.
Molecular consequence: missense variant.
Genome position (GRCh38, 1-based): chr1:119,743,888, C>T. VCF-style: chr1-119743888-C-T. GRCh37 (hg19) VCF-style: chr1-120286511-C-T.
Other names: short protein forms L484F.
Identifiers: ClinVar variation 1427731 (VCV001427731.5), dbSNP rs200693896, ClinGen allele CA1037471.